The following is an entry in ClinVar:

NM_001145715.3(KPNA7):c.32G>A (p.Arg11Gln)

Gene: KPNA7 (karyopherin subunit alpha 7; minus strand). Cytogenetic location: 7q22.1.
Variant type: single nucleotide variant.
Coding change: c.32G>A on transcript NM_001145715.3 (MANE Select); coding-DNA position 32, G replaced by A.
Protein change: p.Arg11Gln; replaces arginine 11 with glutamine.
Molecular consequence: missense variant.
Genome position (GRCh38, 1-based): chr7:99,207,435, C>T on the plus strand (G>A on the coding strand, the complement: KPNA7 is on the minus strand). VCF-style: chr7-99207435-C-T. GRCh37 (hg19) VCF-style: chr7-98805058-C-T.
Other names: short protein forms R11Q.
Identifiers: ClinVar variation 945412 (VCV000945412.12), dbSNP rs919167358, ClinGen allele CA163748067.
Genomic context (GRCh38, chr7:99,207,435, plus strand): 5'-GAAGCAGGTGGGTGCTTCATACTCACAGACACATCTTTGCCTCGGTACTTAAATTTTCTC[C>T]GCCTCTCTTCTGGAGCATCTAAGGTCGGCATATTGACTGGAAGTAGTAAGTTACCTGCAG-3'
Protein context (NP_001139187.1, residues 1-21): MPTLDAPEER[Arg11Gln]RKFKYRGKDV

ClinVar aggregate classification (germline): Uncertain significance. Review status: criteria provided, multiple submitters, no conflicts (2 of 4 stars). 3 submissions from 3 submitters: Uncertain significance (3). Last evaluated 2024-06-11.

Allele frequency attached by ClinVar (database versions not stated): gnomAD exomes 0.00004 and 0.00007; TOPMed 0.00009; gnomAD 0.00011.
gnomAD v4.1: 118 of 1,551,126 alleles (0.0076%); highest among the groups gnomAD compares: Middle Eastern, 0.05%; no homozygotes.

Submissions (3):

Women's Health and Genetics/Laboratory Corporation of America, LabCorp
Classification: Uncertain significance. Last evaluated: 2024-06-11. Review status: criteria provided, single submitter. Criteria: LabCorp Variant Classification Summary - May 2015. Collection method: clinical testing. Allele origin: germline.
Comment: Variant summary: KPNA7 c.32G>A (p.Arg11Gln) results in a conservative amino acid change located in the Importin-alpha, importin-beta-binding domain (IPR002652) of the encoded protein sequence. Five of five in-silico tools predict a benign effect of the variant on protein function. The variant allele was found at a frequency of 3.8e-05 in 156568 control chromosomes. The available data on variant occurrences in the general population are insufficient to allow any conclusion about variant significance. To our knowledge, no occurrence of c.32G>A in individuals affected with Oocyte/zygote/embryo Maturation Arrest 17 and no experimental evidence demonstrating its impact on protein function have been reported. ClinVar contains an entry for this variant (Variation ID: 945412). Based on the evidence outlined above, the variant was classified as uncertain significance.

Labcorp Genetics (formerly Invitae), Labcorp
Classification: Uncertain significance. Last evaluated: 2024-01-08. Review status: criteria provided, single submitter. Criteria: Invitae Variant Classification Sherloc (09022015). Collection method: clinical testing. Allele origin: germline.
Comment: This sequence change replaces arginine, which is basic and polar, with glutamine, which is neutral and polar, at codon 11 of the KPNA7 protein (p.Arg11Gln). This variant is present in population databases (no rsID available, gnomAD 0.02%). This variant has not been reported in the literature in individuals affected with KPNA7-related conditions. ClinVar contains an entry for this variant (Variation ID: 945412). Advanced modeling of protein sequence and biophysical properties (such as structural, functional, and spatial information, amino acid conservation, physicochemical variation, residue mobility, and thermodynamic stability) performed at Invitae indicates that this missense variant is not expected to disrupt KPNA7 protein function with a negative predictive value of 80%. In summary, the available evidence is currently insufficient to determine the role of this variant in disease. Therefore, it has been classified as a Variant of Uncertain Significance.

Breakthrough Genomics
Classification: Uncertain significance. Review status: criteria provided, single submitter. Criteria: ACMG Guidelines, 2015. Collection method: not provided. Allele origin: germline. Inheritance: Autosomal recessive inheritance. Affected: yes.